The following is an entry in ClinVar:

NM_006614.4(CHL1):c.2480C>G (p.Thr827Arg)

Gene: CHL1 (cell adhesion molecule L1 like; plus strand). Cytogenetic location: 3p26.3.
Variant type: single nucleotide variant.
Coding change: c.2480C>G on transcript NM_006614.4 (MANE Select); coding-DNA position 2480, C replaced by G.
Protein change: p.Thr827Arg; replaces threonine 827 with arginine.
Molecular consequence: missense variant.
Genome position (GRCh38, 1-based): chr3:390,710, C>G. VCF-style: chr3-390710-C-G. GRCh37 (hg19) VCF-style: chr3-432393-C-G.
Other names: c.2432C>G, p.Thr811Arg (NM_001253387.2); c.2480C>G, p.Thr827Arg (NM_001253388.1); short protein forms T811R, T827R.
Identifiers: ClinVar variation 5002509 (VCV005002509.1).

ClinVar aggregate classification (germline): Uncertain significance (1 of 4 stars; one submission).

Conditions:
CHL1-related disorder. Also called: CHL1-related condition.

Submission:

PreventionGenetics, part of Exact Sciences
Classification: Uncertain significance for CHL1-related condition. Last evaluated: 2024-12-29. Review status: criteria provided, single submitter. Criteria: ACMG Guidelines, 2015. Collection method: clinical testing. Allele origin: germline.
Comment: The CHL1 c.2480C>G variant is predicted to result in the amino acid substitution p.Thr827Arg. To our knowledge, this variant has not been reported in the literature or in a large population database (gnomAD), indicating this variant is rare. At this time, the clinical significance of this variant is uncertain due to the absence of conclusive functional and genetic evidence.